The following is an entry in ClinVar:

NM_001379029.1(CERT1):c.1523A>G (p.Tyr508Cys)

Gene: CERT1 (ceramide transporter 1; minus strand). Cytogenetic location: 5q13.3.
Variant type: single nucleotide variant.
Coding change: c.1523A>G on transcript NM_001379029.1 (MANE Select); coding-DNA position 1523, A replaced by G.
Protein change: p.Tyr508Cys; replaces tyrosine 508 with cysteine.
Molecular consequence: missense variant.
Genome position (GRCh38, 1-based): chr5:75,382,043, T>C on the plus strand (A>G on the coding strand, the complement: CERT1 is on the minus strand). VCF-style: chr5-75382043-T-C. GRCh37 (hg19) VCF-style: chr5-74677868-T-C.
Other names: c.1907A>G, p.Tyr636Cys (NM_001130105.1); c.1523A>G, p.Tyr508Cys (NM_001379002.1, NM_005713.3); c.1445A>G, p.Tyr482Cys (NM_001379003.1, NM_001379004.1, NM_031361.3); short protein forms Y482C, Y508C, Y636C.
Identifiers: ClinVar variation 3764138 (VCV003764138.1).

ClinVar aggregate classification (germline): Uncertain significance (1 of 4 stars; one submission).

Submission:

GeneDx
Classification: Uncertain significance. Last evaluated: 2024-08-23. Review status: criteria provided, single submitter. Criteria: GeneDx Variant Classification Process June 2021. Collection method: clinical testing. Allele origin: germline. Affected: yes.
Comment: Not observed at significant frequency in large population cohorts (gnomAD); In silico analysis supports that this missense variant has a deleterious effect on protein structure/function; Has not been previously published as pathogenic or benign to our knowledge